The following is an entry in ClinVar:

ClinVar aggregate classification (germline): Uncertain significance (1 of 4 stars; one submission).

Conditions:
Dilated cardiomyopathy 1DD (CMD1DD). Identifiers: Orphanet 154, MedGen C2750995, MONDO:0013168, OMIM 613172.

Submission:

Labcorp Genetics (formerly Invitae), Labcorp
Classification: Uncertain significance for Dilated cardiomyopathy 1DD. Last evaluated: 2024-03-09. Review status: criteria provided, single submitter. Criteria: Invitae Variant Classification Sherloc (09022015). Collection method: clinical testing. Allele origin: germline.
Comment: This variant, c.1230_1231delinsTG, is a complex sequence change that results in the deletion of 2 and insertion of 2 amino acid(s) in the RBM20 protein (p.Leu410_Pro411delinsPheAla). Information on the frequency of this variant in the gnomAD database is not available, as this variant may be reported differently in the database. This variant has not been reported in the literature in individuals affected with RBM20-related conditions. Experimental studies and prediction algorithms are not available or were not evaluated, and the functional significance of this variant is currently unknown. In summary, the available evidence is currently insufficient to determine the role of this variant in disease. Therefore, it has been classified as a Variant of Uncertain Significance.

NM_001134363.3(RBM20):c.1230_1231delinsTG (p.Leu410_Pro411delinsPheAla)

Gene: RBM20 (RNA binding motif protein 20; plus strand). Cytogenetic location: 10q25.2.
Variant type: Indel.
Coding change: c.1230_1231delinsTG on transcript NM_001134363.3 (MANE Select); coding-DNA positions 1230 to 1231, GC replaced by TG.
Protein change: p.Leu410_Pro411delinsPheAla.
Molecular consequence: missense variant.
Genome position (GRCh38, 1-based): chr10:110,781,839-110,781,840, GC replaced by TG. VCF-style: chr10-110781839-GC-TG. GRCh37 (hg19) VCF-style: chr10-112541597-GC-TG.
Identifiers: ClinVar variation 3730266 (VCV003730266.2).